The following is an entry in ClinVar:

ClinVar aggregate classification (germline): Uncertain significance (1 of 4 stars; one submission).

gnomAD v4.1: 4 of 1,614,140 alleles (0.00025%); highest among the groups gnomAD compares: Middle Eastern, 0.016%; no homozygotes.

Submission:

CeGaT Center for Human Genetics Tuebingen
Classification: Uncertain significance. Last evaluated: 2024-06-01. Review status: criteria provided, single submitter. Criteria: CeGaT Center For Human Genetics Tuebingen Variant Classification Criteria Version 2. Collection method: clinical testing. Allele origin: germline. Affected: yes. Observed: 1 variant allele.
Comment: COL4A1: PM1, PM2, PP3

NM_001845.6(COL4A1):c.388G>C (p.Gly130Arg)

Gene: COL4A1 (collagen type IV alpha 1 chain; minus strand). Cytogenetic location: 13q34.
Variant type: single nucleotide variant.
Coding change: c.388G>C on transcript NM_001845.6 (MANE Select); coding-DNA position 388, G replaced by C.
Protein change: p.Gly130Arg; replaces glycine 130 with arginine.
Molecular consequence: missense variant.
Genome position (GRCh38, 1-based): chr13:110,211,922, C>G on the plus strand (G>C on the coding strand, the complement: COL4A1 is on the minus strand). VCF-style: chr13-110211922-C-G. GRCh37 (hg19) VCF-style: chr13-110864269-C-G.
Other names: c.388G>C, p.Gly130Arg (NM_001303110.2); short protein forms G130R.
Identifiers: ClinVar variation 3251156 (VCV003251156.18), dbSNP rs766346293.